The following is an entry in ClinVar:

ClinVar aggregate classification (germline): Uncertain significance (1 of 4 stars; one submission).

Conditions:
Polycystic kidney disease, adult type (PKD1). Also called: POLYCYSTIC KIDNEY DISEASE, ADULT, TYPE I; Polycystic Kidney Disease 1, Autosomal Dominant; Polycystic kidney disease 1; Polycystic kidney disease 1, severe; Polycystic Kidney, Autosomal Dominant; POLYCYSTIC KIDNEY DISEASE 1 WITH OR WITHOUT POLYCYSTIC LIVER DISEASE. Identifiers: MedGen C3149841, MONDO:0008263, OMIM 173900.

Submission:

Juno Genomics, Hangzhou Juno Genomics, Inc
Classification: Uncertain significance for Polycystic kidney disease, adult type. Review status: criteria provided, single submitter. Criteria: ACMG Guidelines, 2015. Collection method: clinical testing. Allele origin: germline. Affected: yes.
Comment: Absent from controls (or at extremely low frequency if recessive) in Genome Aggregation Database, Exome Sequencing Project, 1000 Genomes Project, or Exome Aggregation Consortium.;Multiple lines of computational evidence support a deleterious effect on the gene or gene product (conservation, evolutionary, splicing impact, etc).

NM_001009944.3(PKD1):c.4996T>C (p.Trp1666Arg)

Gene: PKD1 (polycystin 1, transient receptor potential channel interacting; minus strand). Cytogenetic location: 16p13.3.
Variant type: single nucleotide variant.
Coding change: c.4996T>C on transcript NM_001009944.3 (MANE Select); coding-DNA position 4996, T replaced by C.
Protein change: p.Trp1666Arg; replaces tryptophan 1666 with arginine.
Molecular consequence: missense variant.
Genome position (GRCh38, 1-based): chr16:2,110,171, A>G on the plus strand (T>C on the coding strand, the complement: PKD1 is on the minus strand). VCF-style: chr16-2110171-A-G. GRCh37 (hg19) VCF-style: chr16-2160172-A-G.
Other names: c.4996T>C, p.Trp1666Arg (NM_000296.4); short protein forms W1666R.
Identifiers: ClinVar variation 3383077 (VCV003383077.2).